The following is an entry in ClinVar:

NM_001128840.3(CACNA1D):c.5936G>A (p.Arg1979Gln)

Gene: CACNA1D (calcium voltage-gated channel subunit alpha1 D; plus strand). Cytogenetic location: 3p21.1.
Variant type: single nucleotide variant.
Coding change: c.5936G>A on transcript NM_001128840.3 (MANE Select); coding-DNA position 5936, G replaced by A.
Protein change: p.Arg1979Gln; replaces arginine 1979 with glutamine.
Molecular consequence: missense variant.
Genome position (GRCh38, 1-based): chr3:53,810,042, G>A. VCF-style: chr3-53810042-G-A. GRCh37 (hg19) VCF-style: chr3-53844069-G-A.
Other names: c.5996G>A (NM_000720.3); c.5996G>A, p.Arg1999Gln (NM_000720.4); c.5864G>A, p.Arg1955Gln (NM_001128839.3); short protein forms R1955Q, R1979Q, R1999Q.
Identifiers: ClinVar variation 1191878 (VCV001191878.10), dbSNP rs143354476, ClinGen allele CA2455326.
Genomic context (GRCh38, chr3:53,810,042, plus strand): 5'-TGGCAGTTGCCGGCCTAGATTCAAGTAAAGCCCAGAAGTACTCACCGAGTCACTCGACCC[G>A]GTCGTGGGCCACCCCTCCAGCAACCCCTCCCTACCGGGACTGGACACCGTGCTACACCCC-3'
Protein context (NP_001122312.1, residues 1969-1989): AQKYSPSHST[Arg1979Gln]SWATPPATPP

ClinVar aggregate classification (germline): Conflicting classifications of pathogenicity. Review status: criteria provided, conflicting classifications (1 of 4 stars). 3 submissions from 3 submitters: Uncertain significance (2); Likely benign (1). Last evaluated 2026-02-25.

Conditions:
CACNA1D-related disorder.

Allele frequency attached by ClinVar (database versions not stated): 1000 Genomes Project 0.00020; 1000 Genomes Project 30x 0.00031.
gnomAD v4.1: 145 of 1,613,882 alleles (0.009%); highest among the groups gnomAD compares: South Asian, 0.077%; 1 homozygote.

Submissions (3):

PreventionGenetics, part of Exact Sciences
Classification: Uncertain significance for CACNA1D-related condition. Last evaluated: 2026-02-25. Review status: criteria provided, single submitter. Criteria: ACMG Guidelines, 2015. Collection method: clinical testing. Allele origin: germline.
Comment: The CACNA1D c.5996G>A variant is predicted to result in the amino acid substitution p.Arg1999Gln. To our knowledge, this variant has not been reported in the literature. This variant is reported in 0.085% of alleles in individuals of South Asian descent in gnomAD. Although we suspect that this variant may be benign, at this time, the clinical significance of this variant is uncertain due to the absence of conclusive functional and genetic evidence.

Labcorp Genetics (formerly Invitae), Labcorp
Classification: Likely benign. Last evaluated: 2025-12-03. Review status: criteria provided, single submitter. Criteria: Invitae Variant Classification Sherloc (09022015). Collection method: clinical testing. Allele origin: germline.

GeneDx
Classification: Uncertain significance. Last evaluated: 2025-10-15. Review status: criteria provided, single submitter. Criteria: GeneDx Variant Classification Process June 2021. Collection method: clinical testing. Allele origin: germline. Affected: yes.
Comment: Identified in a patient with amyotrophic lateral sclerosis (ALS) in published literature (PMID: 36979911); In silico analysis supports that this missense variant has a deleterious effect on protein structure/function; This variant is associated with the following publications: (PMID: 31981491, 36979911)